The following is an entry in ClinVar:

NM_001127178.3(PIGG):c.1818G>A (p.Pro606=)

Gene: PIGG (phosphatidylinositol glycan anchor biosynthesis class G (EMM blood group); plus strand). Cytogenetic location: 4p16.3.
Variant type: single nucleotide variant.
Coding change: c.1818G>A on transcript NM_001127178.3 (MANE Select); coding-DNA position 1818, G replaced by A.
Protein change: p.Pro606=; no amino-acid change (proline 606 retained).
Molecular consequence: synonymous variant. On other transcripts: non-coding transcript variant (6).
Genome position (GRCh38, 1-based): chr4:523,662, G>A. VCF-style: chr4-523662-G-A. GRCh37 (hg19) VCF-style: chr4-517451-G-A.
Other names: c.1551G>A, p.Pro517= (NM_001289051.2, NM_001345986.2); c.1419G>A, p.Pro473= (NM_001289052.2); c.1527G>A, p.Pro509= (NM_001345987.2); c.789G>A, p.Pro263= (NM_001345988.2); c.285G>A, p.Pro95= (NM_001345990.2, NM_001345991.2); c.720G>A, p.Pro240= (NM_001345994.2); c.1794G>A, p.Pro598= (NM_017733.5).
Identifiers: ClinVar variation 783101 (VCV000783101.15), dbSNP rs748286066, ClinGen allele CA2793456.

ClinVar aggregate classification (germline): Likely benign. Review status: criteria provided, multiple submitters, no conflicts (2 of 4 stars). 2 submissions from 2 submitters: Likely benign (2). Last evaluated 2026-02-01.

Conditions:
Intellectual disability, autosomal recessive 53 (NEDHSCA). Also called: NEURODEVELOPMENTAL DISORDER WITH OR WITHOUT HYPOTONIA, SEIZURES, AND CEREBELLAR ATROPHY; GLYCOSYLPHOSPHATIDYLINOSITOL BIOSYNTHESIS DEFECT 13; Mental retardation, autosomal recessive 53. Identifiers: Orphanet 488635, MedGen C4310794, MONDO:0014832, OMIM 616917.

Allele frequency attached by ClinVar (database versions not stated): gnomAD 0.00002; gnomAD exomes 0.00007; ExAC 0.00002.
gnomAD v4.1: 56 of 1,613,988 alleles (0.0035%); highest among the groups gnomAD compares: Admixed American, 0.018%; no homozygotes.

Submissions (2):

CeGaT Center for Human Genetics Tuebingen
Classification: Likely benign. Last evaluated: 2026-02-01. Review status: criteria provided, single submitter. Criteria: CeGaT Center For Human Genetics Tuebingen Variant Classification Criteria Version 2. Collection method: clinical testing. Allele origin: germline. Affected: yes. Observed: 1 variant allele.
Comment: PIGG: BP4, BP7

Labcorp Genetics (formerly Invitae), Labcorp
Classification: Likely benign for Intellectual disability, autosomal recessive 53. Last evaluated: 2025-04-14. Review status: criteria provided, single submitter. Criteria: Invitae Variant Classification Sherloc (09022015). Collection method: clinical testing. Allele origin: germline.